The following is an entry in ClinVar:

NC_000016.10:g.88342520_88343694del

Gene: ZNF469 (zinc finger protein 469; plus strand). Cytogenetic location: 16q24.2.
Variant type: Deletion.
Genome position: GRCh38: chr16:88,342,520-88,343,694. GRCh37 (hg19): chr16:88,376,126-88,377,300.
Identifiers: ClinVar variation 974218 (VCV000974218.2), ClinGen allele CA1139664859.

ClinVar aggregate classification (germline): Pathogenic (0 of 4 stars; one submission).

Conditions:
Fanconi anemia complementation group A (FANCA). Also called: Fanconi anemia, group A; FANCA-Related Fanconi Anemia. Identifiers: Orphanet 84, MedGen C3469521, MONDO:0009215, OMIM 227650.

Submission:

Leiden Open Variation Database
Classification: Pathogenic for Fanconi anemia complementation group A. Last evaluated: 2020-02-28. Review status: no assertion criteria provided. Collection method: curation. Allele origin: germline. Affected: yes.
Comment: Curator: Arleen D. Auerbach. Submitter to LOVD: Arleen D. Auerbach.

Literature cited by the submitters: PubMed 25168418.